The following is an entry in ClinVar:

NM_001114753.3(ENG):c.1333dup (p.Met445fs)

Genes: ENG (endoglin; minus strand), LOC102723566 (uncharacterized LOC102723566; plus strand). Cytogenetic location: 9q34.11.
Variant type: Duplication.
Coding change: c.1333dup on transcript NM_001114753.3 (MANE Select); coding-DNA position 1333, one base duplicated (A; older notation c.1333dupA).
Protein change: p.Met445fs; shifts the reading frame from methionine 445.
Molecular consequence: frameshift variant.
Genome position (GRCh38, 1-based): chr9:127,818,811, T duplicated on the plus strand (A on the coding strand, the reverse complement: ENG is on the minus strand). VCF-style (leftmost placement, unchanged base first): chr9-127818810-A-AT. GRCh37 (hg19) VCF-style: chr9-130581089-A-AT.
Other names: c.1333dup, p.Met445Asnfs (NM_000118.4); c.787dup, p.Met263fs (NM_001278138.2); short protein forms M263fs, M445fs.
Identifiers: ClinVar variation 961840 (VCV000961840.10), dbSNP rs1830399696, ClinGen allele CA1139659934.
Genomic context (GRCh38, chr9:127,818,810, plus strand): 5'-TTGGAGGCCTGGAGGAAGTGTGGGCTGAGGTAGAGGCCCAGCTGGAAAGAGAGGCTGTCC[A>AT]TGTTGAGGCAGTGCACCTTTTTCTGGGGGAGGACGGGAGGGAGACTTGGTCAATCTGGCG-3'

ClinVar aggregate classification (germline): Pathogenic (1 of 4 stars; one submission).

Conditions:
Hereditary hemorrhagic telangiectasia (HHT). Also called: Osler hemorrhagic telangiectasia syndrome; ORW DISEASE; Osler Weber Rendu syndrome; OSLER-RENDU-WEBER DISEASE. Identifiers: Orphanet 774, MedGen C0039445, MONDO:0019180. Disease mechanism: loss of function.

Submission:

Labcorp Genetics (formerly Invitae), Labcorp
Classification: Pathogenic for Hereditary hemorrhagic telangiectasia. Last evaluated: 2019-10-29. Review status: criteria provided, single submitter. Criteria: Invitae Variant Classification Sherloc (09022015). Collection method: clinical testing. Allele origin: germline.
Comment: This variant is not present in population databases (ExAC no frequency). This sequence change creates a premature translational stop signal (p.Met445Asnfs*56) in the ENG gene. It is expected to result in an absent or disrupted protein product. This variant has not been reported in the literature in individuals with ENG-related conditions. For these reasons, this variant has been classified as Pathogenic. Loss-of-function variants in ENG are known to be pathogenic (PMID: 15879500, 20656886, 22385575).

Literature cited by the submitters: PubMed 15879500; PubMed 20656886; PubMed 22385575.